The following is an entry in ClinVar:

ClinVar aggregate classification (germline): Likely benign. Review status: criteria provided, multiple submitters, no conflicts (2 of 4 stars). 2 submissions from 2 submitters: Likely benign (2). Last evaluated 2025-11-25.

Conditions:
Atrial septal defect 5 (ASD5). Identifiers: Orphanet 1478, MedGen C2748552, MONDO:0013011, OMIM 612794.
Dilated cardiomyopathy 1R (CMD1R). Identifiers: Orphanet 154, Orphanet 54260, MedGen C3150681, MONDO:0013261, OMIM 613424.
Hypertrophic cardiomyopathy 11. Also called: ACTC1-Related Familial Hypertrophic Cardiomyopathy. Identifiers: MedGen C2677506, MONDO:0012799, OMIM 612098.
Hypertrophic cardiomyopathy. Also called: HYPERTROPHIC MYOCARDIOPATHY. Identifiers: Orphanet 217569, MedGen C0007194, MeSH D002312, MONDO:0005045, HP:0001639.

Allele frequency attached by ClinVar (database versions not stated): gnomAD exomes below 0.00001 and 0.00001; TOPMed below 0.00001.
gnomAD v4.1: 7 of 1,610,254 alleles (0.00043%); highest among the groups gnomAD compares: African/African-American, 0.0013%; no homozygotes.

Submissions (2):

Labcorp Genetics (formerly Invitae), Labcorp
Classification: Likely benign for Dilated cardiomyopathy 1R; Hypertrophic cardiomyopathy 11; Atrial septal defect 5. Last evaluated: 2025-11-25. Review status: criteria provided, single submitter. Criteria: Invitae Variant Classification Sherloc (09022015). Collection method: clinical testing. Allele origin: germline.

All of Us Research Program, National Institutes of Health
Classification: Likely benign for Hypertrophic cardiomyopathy. Last evaluated: 2024-07-20. Review status: criteria provided, single submitter. Criteria: ACMG Guidelines, 2015. Collection method: clinical testing. Allele origin: germline. Inheritance: Autosomal dominant inheritance. Observed: 1 variant allele, 1 heterozygote.
Comment: This study involves interpretation of variants in research participants for the purpose of population health screening. Participant phenotype was not available at the time of variant classification. Additional details can be found in publication PMID: 35346344, PMCID: PMC8962531

NM_005159.5(ACTC1):c.991-10C>T

Genes: GJD2-DT (GJD2 divergent transcript; plus strand), ACTC1 (actin alpha cardiac muscle 1; minus strand). Cytogenetic location: 15q14.
Variant type: single nucleotide variant.
Coding change: c.991-10C>T on transcript NM_005159.5 (MANE Select); 10 bases into the intron before coding-DNA position 991, C replaced by T.
Molecular consequence: intron variant.
Genome position (GRCh38, 1-based): chr15:34,790,565, G>A on the plus strand (C>T on the coding strand, the complement: ACTC1 is on the minus strand). VCF-style: chr15-34790565-G-A. GRCh37 (hg19) VCF-style: chr15-35082766-G-A.
Other names: c.991-10C>T (LRG_388t1).
Identifiers: ClinVar variation 538813 (VCV000538813.11), dbSNP rs1298992263, ClinGen allele CA617196814.